The following is an entry in ClinVar:

ClinVar aggregate classification (germline): Uncertain significance (1 of 4 stars; one submission).

Allele frequency attached by ClinVar (database versions not stated): gnomAD exomes below 0.00001.
gnomAD v4.1: 3 of 1,613,496 alleles (0.00019%); highest among the groups gnomAD compares: Non-Finnish European, 0.00025%; no homozygotes.

Submission:

GeneDx
Classification: Uncertain significance. Last evaluated: 2019-12-16. Review status: criteria provided, single submitter. Criteria: GeneDx Variant Classification Process June 2021. Collection method: clinical testing. Allele origin: germline. Affected: yes.
Comment: Not observed in large population cohorts (Lek et al., 2016); In silico analysis, which includes splice predictors and evolutionary conservation, supports that this variant does not alter protein structure/function; Has not been previously published as pathogenic or benign to our knowledge

NM_004807.3(HS6ST1):c.1077C>T (p.Tyr359=)

Gene: HS6ST1 (heparan sulfate 6-O-sulfotransferase 1; minus strand). Cytogenetic location: 2q14.3.
Variant type: single nucleotide variant.
Coding change: c.1077C>T on transcript NM_004807.3 (MANE Select); coding-DNA position 1077, C replaced by T.
Protein change: p.Tyr359=; no amino-acid change (tyrosine 359 retained).
Molecular consequence: synonymous variant.
Genome position (GRCh38, 1-based): chr2:128,268,321, G>A on the plus strand (C>T on the coding strand, the complement: HS6ST1 is on the minus strand). VCF-style: chr2-128268321-G-A. GRCh37 (hg19) VCF-style: chr2-129025895-G-A.
Identifiers: ClinVar variation 1311207 (VCV001311207.2), dbSNP rs2104908476, ClinGen allele CA428881064.